The following is an entry in ClinVar:

ClinVar aggregate classification (germline): Uncertain significance (1 of 4 stars; one submission).

Allele frequency attached by ClinVar (database versions not stated): gnomAD exomes 0.00016 and 0.00038; gnomAD 0.00019 and 0.00021; ExAC 0.00021; TOPMed 0.00024; ESP Exome Variant Server 0.00039.
gnomAD v4.1: 576 of 1,612,718 alleles (0.036%); highest among the groups gnomAD compares: Non-Finnish European, 0.046%; 1 homozygote.

Submission:

Center for Genomics, Ann and Robert H. Lurie Children's Hospital of Chicago
Classification: Uncertain significance. Last evaluated: 2021-03-30. Review status: criteria provided, single submitter. Criteria: ACMG Guidelines, 2015. Collection method: clinical testing. Allele origin: germline.
Comment: TNFSF13 NM_003808.3 exon 1 p.Ala47= (c.141T>C): This variant has not been reported in the literature but is present in 0.02% (33/124052) of European alleles in the Genome Aggregation Database. Evolutionary conservation and computational predictive tools for this variant are limited or unavailable. Of note, this variant is a silent variant and does not change the amino acid, reducing the probability that this variant is disease causing. In summary, data on this variant is insufficient for disease classification. Therefore, the clinical significance of this variant is uncertain.

NM_003808.4(TNFSF13):c.141T>C (p.Ala47=)

Genes: TNFSF12-TNFSF13 (TNFSF12-TNFSF13 readthrough; plus strand), TNFSF13 (TNF superfamily member 13; plus strand). Cytogenetic location: 17p13.1.
Variant type: single nucleotide variant.
Coding change: c.141T>C on transcript NM_003808.4 (MANE Select); coding-DNA position 141, T replaced by C.
Protein change: p.Ala47=; no amino-acid change (alanine 47 retained).
Molecular consequence: synonymous variant. On other transcripts: non-coding transcript variant (1), intron variant (1).
Genome position (GRCh38, 1-based): chr17:7,559,180, T>C. VCF-style: chr17-7559180-T-C. GRCh37 (hg19) VCF-style: chr17-7462497-T-C.
Other names: c.141T>C, p.Ala47= (NM_001198622.2, NM_001198623.2, NM_172087.3 and 1 more transcripts); c.90T>C, p.Ala30= (NM_001198624.2); c.499-444T>C (NM_172089.4).
Identifiers: ClinVar variation 626033 (VCV000626033.2), dbSNP rs376426219, ClinGen allele CA8350955.